The following is an entry in ClinVar:

NM_001164760.2(PRKAR1B):c.751A>C (p.Ser251Arg)

Gene: PRKAR1B (protein kinase cAMP-dependent type I regulatory subunit beta; minus strand). Cytogenetic location: 7p22.3.
Variant type: single nucleotide variant.
Coding change: c.751A>C on transcript NM_001164760.2 (MANE Select); coding-DNA position 751, A replaced by C.
Protein change: p.Ser251Arg; replaces serine 251 with arginine.
Molecular consequence: missense variant.
Genome position (GRCh38, 1-based): chr7:584,526, T>G on the plus strand (A>C on the coding strand, the complement: PRKAR1B is on the minus strand). VCF-style: chr7-584526-T-G. GRCh37 (hg19) VCF-style: chr7-624163-T-G.
Other names: c.751A>C, p.Ser251Arg (NM_001164758.2, NM_001164759.1, NM_001164761.2 and 2 more transcripts); short protein forms S251R.
Identifiers: ClinVar variation 4875375 (VCV004875375.2).

ClinVar aggregate classification (germline): Likely benign (1 of 4 stars; one submission).

gnomAD v4.1: 1 of 1,613,970 alleles (0.000062%); highest among the groups gnomAD compares: Admixed American, 0.0017%; no homozygotes.

Submission:

CeGaT Center for Human Genetics Tuebingen
Classification: Likely benign. Last evaluated: 2026-06-01. Review status: criteria provided, single submitter. Criteria: CeGaT Center For Human Genetics Tuebingen Variant Classification Criteria Version 2. Collection method: clinical testing. Allele origin: germline. Affected: yes. Observed: 1 variant allele.
Comment: PRKAR1B: BS2